The following is an entry in ClinVar:

NM_000288.4(PEX7):c.854A>G (p.His285Arg)

Gene: PEX7 (peroxisomal biogenesis factor 7; plus strand). Cytogenetic location: 6q23.3.
Variant type: single nucleotide variant.
Coding change: c.854A>G on transcript NM_000288.4 (MANE Select); coding-DNA position 854, A replaced by G.
Protein change: p.His285Arg; replaces histidine 285 with arginine.
Molecular consequence: missense variant.
Genome position (GRCh38, 1-based): chr6:136,898,192, A>G. VCF-style: chr6-136898192-A-G. GRCh37 (hg19) VCF-style: chr6-137219330-A-G.
Other names: short protein forms H285R.
Identifiers: ClinVar variation 38872 (VCV000038872.9), dbSNP rs62653611, ClinGen allele CA343128.

ClinVar aggregate classification (germline): Pathogenic/Likely pathogenic. Review status: criteria provided, multiple submitters, no conflicts (2 of 4 stars). 5 submissions from 5 submitters: Pathogenic (1); Likely pathogenic (2). 2 of the submissions do not count toward it. Last evaluated 2025-12-30.

Conditions:
Peroxisome biogenesis disorder 9B. Also called: PEROXISOME BIOGENESIS DISORDER, PEX7-RELATED, ATYPICAL; Refsum disease, adult, 2; PEX7-Related Refsum Disease. Identifiers: Orphanet 773, MedGen C2749346, MONDO:0013945, OMIM 614879.
Peroxisome biogenesis disorder. Identifiers: Orphanet 79189, MedGen C1832200, MONDO:0019234. Disease mechanism: loss of function.
Rhizomelic chondrodysplasia punctata type 1 (RCDP1). Also called: PEROXISOME BIOGENESIS DISORDER 9; CHONDRODYSTROPHIA CALCIFICANS PUNCTATA; PEX7-Related Rhizomelic Chondrodysplasia Punctata. Identifiers: Orphanet 177, Orphanet 309789, MedGen C1859133, MONDO:0008972, OMIM 215100. Disease mechanism: loss of function.

Allele frequency attached by ClinVar (database versions not stated): gnomAD exomes below 0.00001; gnomAD 0.00001.
gnomAD v4.1: 3 of 1,612,796 alleles (0.00019%); highest among the groups gnomAD compares: Non-Finnish European, 0.00025%; no homozygotes.

Submissions (5):

Myriad Genetics, Inc.
Classification: Likely pathogenic for Peroxisome biogenesis disorder. Last evaluated: 2025-12-30. Review status: criteria provided, single submitter. Criteria: Myriad Autosomal Dominant, Autosomal Recessive and X-Linked Classification Criteria (2023). Collection method: clinical testing. Allele origin: unknown.
Comment: NM_000288.3(PEX7):c.854A>G(H285R) is a missense variant classified as likely pathogenic in the context of PEX7-related disorders. Please note that H285Rmay be associated with a mild form of rhizomelic chondrodysplasia punctata type 1. H285R has been observed in cases with relevant disease (PMID: 33337545). Relevant functional assessments of this variant are available in the literature (PMID: 11781871). H285R has not been observed in referenced population frequency databases. In summary, NM_000288.3(PEX7):c.854A>G(H285R) is a missense variant that has been observed more frequently in cases with the relevant disease than in healthy populations. Please note: this variant was assessed in the context of healthy population screening.

Baylor Genetics
Classification: Pathogenic for Peroxisome biogenesis disorder 9B. Last evaluated: 2023-10-05. Review status: criteria provided, single submitter. Criteria: ACMG Guidelines, 2015. Collection method: clinical testing. Allele origin: unknown.

Revvity Omics, Revvity
Classification: Likely pathogenic. Last evaluated: 2020-04-01. Review status: criteria provided, single submitter. Criteria: ACMG Guidelines, 2015. Collection method: clinical testing. Allele origin: germline.

Laboratory of Molecular Genetics (Pr. Bezieau's lab), CHU de Nantes
Classification: Pathogenic. Last evaluated: 2016-08-26. Review status: no assertion criteria provided. Collection method: clinical testing. Allele origin: germline. Affected: yes. Not counted in ClinVar's aggregate classification.

GeneReviews
No classification provided. Condition: Rhizomelic chondrodysplasia punctata type 1. Review status: no classification provided. Collection method: literature only. Allele origin: unknown. Not counted in ClinVar's aggregate classification.

Literature cited by the submitters: PubMed 11781871 (cited by Myriad Genetics, Inc.); PubMed 33337545 (cited by Myriad Genetics, Inc.); PubMed 20301447 (cited by GeneReviews); NCBI Bookshelf NBK1270 (cited by GeneReviews).